The following is an entry in ClinVar:

ClinVar aggregate classification (germline): Conflicting classifications of pathogenicity. Review status: criteria provided, conflicting classifications (1 of 4 stars). 5 submissions from 5 submitters: Uncertain significance (1); Likely benign (3). 1 of the submissions does not count toward it. Last evaluated 2026-01-28.

Conditions:
USH1C-related disorder. Also called: USH1C-related condition.
Usher syndrome type 1C. Also called: USHER SYNDROME, TYPE I, ACADIAN VARIETY. Identifiers: Orphanet 231169, Orphanet 886, MedGen C1848604, MONDO:0010171, OMIM 276904.

Allele frequency attached by ClinVar (database versions not stated): ESP Exome Variant Server 0.00008; gnomAD 0.00019 and 0.00021; 1000 Genomes Project 0.00020; TOPMed 0.00026; 1000 Genomes Project 30x 0.00031.
gnomAD v4.1: 117 of 1,560,692 alleles (0.0075%); highest among the groups gnomAD compares: African/African-American, 0.069%; no homozygotes.

Submissions (5):

Labcorp Genetics (formerly Invitae), Labcorp
Classification: Likely benign. Last evaluated: 2026-01-28. Review status: criteria provided, single submitter. Criteria: Invitae Variant Classification Sherloc (09022015). Collection method: clinical testing. Allele origin: germline.

PreventionGenetics, part of Exact Sciences
Classification: Likely benign for USH1C-related condition. Last evaluated: 2025-02-27. Review status: criteria provided, single submitter. Criteria: ACMG Guidelines, 2015. Collection method: clinical testing. Allele origin: germline.
Comment: This variant is classified as likely benign based on ACMG/AMP sequence variant interpretation guidelines (Richards et al. 2015 PMID: 25741868, with internal and published modifications).

Blueprint Genetics
Classification: Likely benign. Last evaluated: 2024-02-13. Review status: criteria provided, single submitter. Criteria: ACMG Guidelines, 2015. Collection method: clinical testing. Allele origin: germline.

Eurofins Ntd Llc (ga)
Classification: Uncertain significance. Last evaluated: 2014-09-03. Review status: criteria provided, single submitter. Criteria: EGL Classification Definitions 2015. Collection method: clinical testing. Allele origin: germline. Observed: 1 variant allele, 1 heterozygote.

Natera, Inc.
Classification: Uncertain significance for Usher syndrome type 1C. Last evaluated: 2020-04-11. Review status: no assertion criteria provided. Collection method: clinical testing. Allele origin: germline. Not counted in ClinVar's aggregate classification.

NM_153676.4(USH1C):c.513C>T (p.Pro171=)

Gene: USH1C (USH1 protein network component harmonin; minus strand). Cytogenetic location: 11p15.1.
Variant type: single nucleotide variant.
Coding change: c.513C>T on transcript NM_153676.4 (MANE Select); coding-DNA position 513, C replaced by T.
Protein change: p.Pro171=; no amino-acid change (proline 171 retained).
Molecular consequence: synonymous variant. On other transcripts: non-coding transcript variant (1).
Genome position (GRCh38, 1-based): chr11:17,527,024, G>A on the plus strand (C>T on the coding strand, the complement: USH1C is on the minus strand). VCF-style: chr11-17527024-G-A. GRCh37 (hg19) VCF-style: chr11-17548571-G-A.
Other names: c.513C>T, p.Pro171= (NM_001297764.2, NM_005709.4); c.513C>T (NM_153676.3).
Identifiers: ClinVar variation 198185 (VCV000198185.19), dbSNP rs199739341, ClinGen allele CA246704.